The following is an entry in ClinVar:

NM_001004334.4(GPR179):c.481C>T (p.Gln161Ter)

Gene: GPR179 (G protein-coupled receptor 179; minus strand). Cytogenetic location: 17q12.
Variant type: single nucleotide variant.
Coding change: c.481C>T on transcript NM_001004334.4 (MANE Select); coding-DNA position 481, C replaced by T.
Protein change: p.Gln161Ter; replaces glutamine 161 with a stop codon.
Molecular consequence: nonsense.
Genome position (GRCh38, 1-based): chr17:38,343,309, G>A on the plus strand (C>T on the coding strand, the complement: GPR179 is on the minus strand). VCF-style: chr17-38343309-G-A. GRCh37 (hg19) VCF-style: chr17-36499192-G-A.
Other names: short protein forms Q161*.
Identifiers: ClinVar variation 3382199 (VCV003382199.2), dbSNP rs768765919.

ClinVar aggregate classification (germline): Likely pathogenic (1 of 4 stars; one submission).

Conditions:
Congenital stationary night blindness 1E. Also called: Night blindness, congenital stationary (complete), 1E, autosomal recessive. Identifiers: Orphanet 215, MedGen C3281215, MONDO:0013807, OMIM 614565.

gnomAD v4.1: 11 of 1,614,138 alleles (0.00068%); highest among the groups gnomAD compares: East Asian, 0.011%; no homozygotes.

Submission:

Juno Genomics, Hangzhou Juno Genomics, Inc
Classification: Likely pathogenic for Congenital stationary night blindness 1E. Review status: criteria provided, single submitter. Criteria: ACMG Guidelines, 2015. Collection method: clinical testing. Allele origin: germline. Affected: yes.
Comment: Absent from controls (or at extremely low frequency if recessive) in Genome Aggregation Database, Exome Sequencing Project, 1000 Genomes Project, or Exome Aggregation Consortium.;Null variant in a gene where loss of function (LOF) is a known mechanism of disease.